The following is an entry in ClinVar:

NM_000038.6(APC):c.7619C>T (p.Pro2540Leu)

Gene: APC (APC regulator of Wnt signaling pathway; plus strand). Cytogenetic location: 5q22.2.
Variant type: single nucleotide variant.
Coding change: c.7619C>T on transcript NM_000038.6 (MANE Select); coding-DNA position 7619, C replaced by T.
Protein change: p.Pro2540Leu; replaces proline 2540 with leucine.
Molecular consequence: missense variant.
Genome position (GRCh38, 1-based): chr5:112,843,213, C>T. VCF-style: chr5-112843213-C-T. GRCh37 (hg19) VCF-style: chr5-112178910-C-T.
Other names: c.7619C>T, p.Pro2540Leu (NM_001127510.3, NM_001354895.2); c.7565C>T, p.Pro2522Leu (NM_001127511.3); c.7673C>T, p.Pro2558Leu (NM_001354896.2); c.7649C>T, p.Pro2550Leu (NM_001354897.2); c.7544C>T, p.Pro2515Leu (NM_001354898.2); c.7535C>T, p.Pro2512Leu (NM_001354899.2); c.7496C>T, p.Pro2499Leu (NM_001354900.2); c.7442C>T, p.Pro2481Leu (NM_001354901.2); and 5 more; short protein forms P2540L, P2522L, P2257L, P2439L, P2512L, P2550L, P2558L, P2414L.
Identifiers: ClinVar variation 411365 (VCV000411365.48), dbSNP rs777667481, ClinGen allele CA16037882.

ClinVar aggregate classification (germline): Uncertain significance. Review status: criteria provided, multiple submitters, no conflicts (2 of 4 stars). 3 submissions from 3 submitters: Uncertain significance (3). Last evaluated 2025-10-06.

Conditions:
Familial adenomatous polyposis 1 (FAP1). Also called: FAMILIAL ADENOMATOUS POLYPOSIS 1, ATTENUATED; POLYPOSIS, ADENOMATOUS INTESTINAL. Identifiers: MedGen C2713442, MONDO:0021056, OMIM 175100. Disease mechanism: loss of function.
Hereditary cancer-predisposing syndrome. Also called: Tumor predisposition; Hereditary Cancer Syndrome; Hereditary neoplastic syndrome; Neoplastic Syndromes, Hereditary. Identifiers: Orphanet 140162, MedGen C0027672, MeSH D009386, MONDO:0015356.

gnomAD v4.1: 1 of 1,613,742 alleles (0.000062%); highest among the groups gnomAD compares: Non-Finnish European, 0.000085%; no homozygotes.

Submissions (3):

Labcorp Genetics (formerly Invitae), Labcorp
Classification: Uncertain significance for Familial adenomatous polyposis 1. Last evaluated: 2025-10-06. Review status: criteria provided, single submitter. Criteria: Invitae Variant Classification Sherloc (09022015). Collection method: clinical testing. Allele origin: germline.
Comment: This sequence change replaces proline, which is neutral and non-polar, with leucine, which is neutral and non-polar, at codon 2540 of the APC protein (p.Pro2540Leu). This variant is not present in population databases (gnomAD no frequency). This variant has not been reported in the literature in individuals affected with APC-related conditions. ClinVar contains an entry for this variant (Variation ID: 411365). Invitae Evidence Modeling of protein sequence and biophysical properties (such as structural, functional, and spatial information, amino acid conservation, physicochemical variation, residue mobility, and thermodynamic stability) indicates that this missense variant is not expected to disrupt APC protein function with a negative predictive value of 95%. In summary, the available evidence is currently insufficient to determine the role of this variant in disease. Therefore, it has been classified as a Variant of Uncertain Significance.

Ambry Genetics
Classification: Uncertain significance for Hereditary cancer-predisposing syndrome. Last evaluated: 2023-02-22. Review status: criteria provided, single submitter. Criteria: Ambry General Variant Classification Scheme_2022. Collection method: clinical testing. Allele origin: germline.
Comment: The p.P2540L variant (also known as c.7619C>T), located in coding exon 15 of the APC gene, results from a C to T substitution at nucleotide position 7619. The proline at codon 2540 is replaced by leucine, an amino acid with similar properties. This amino acid position is highly conserved in available vertebrate species. In addition, this alteration is predicted to be tolerated by in silico analysis. Since supporting evidence is limited at this time, the clinical significance of this alteration remains unclear.

Sema4
Classification: Uncertain significance for Hereditary cancer-predisposing syndrome. Last evaluated: 2021-12-07. Review status: criteria provided, single submitter. Criteria: Sema4 Curation Guidelines. Collection method: curation. Allele origin: germline.
Comment: The APC c.7619C>T (p.P2540L) variant has not been reported in the literature to our knowledge. It was not observed in the large and broad cohorts of the Genome Aggregation Database (PMID: 32461654). The variant has been reported in ClinVar (Variation ID: 411365). Functional studies have not been performed, and in silico predictions of the variant's effect on protein function are inconclusive. The evidence is insufficient to meet ACMG/AMP criteria for classifying the variant as benign or pathogenic. Thus, the clinical significance of this variant is currently uncertain.